The following is an entry in ClinVar:

ClinVar aggregate classification (germline): Uncertain significance (1 of 4 stars; one submission).

Conditions:
FG syndrome (FGS). Identifiers: MedGen C0220769, MONDO:0002010.

Submission:

Labcorp Genetics (formerly Invitae), Labcorp
Classification: Uncertain significance for FG syndrome. Last evaluated: 2024-04-25. Review status: criteria provided, single submitter. Criteria: Invitae Variant Classification Sherloc (09022015). Collection method: clinical testing. Allele origin: germline.
Comment: This sequence change replaces glycine, which is neutral and non-polar, with arginine, which is basic and polar, at codon 268 of the MED12 protein (p.Gly268Arg). This variant is not present in population databases (gnomAD no frequency). This variant has not been reported in the literature in individuals affected with MED12-related conditions. Advanced modeling of protein sequence and biophysical properties (such as structural, functional, and spatial information, amino acid conservation, physicochemical variation, residue mobility, and thermodynamic stability) performed at Invitae indicates that this missense variant is not expected to disrupt MED12 protein function with a negative predictive value of 95%. In summary, the available evidence is currently insufficient to determine the role of this variant in disease. Therefore, it has been classified as a Variant of Uncertain Significance.

NM_005120.3(MED12):c.802G>A (p.Gly268Arg)

Gene: MED12 (mediator complex subunit 12; plus strand). Cytogenetic location: Xq13.1.
Variant type: single nucleotide variant.
Coding change: c.802G>A on transcript NM_005120.3 (MANE Select); coding-DNA position 802, G replaced by A.
Protein change: p.Gly268Arg; replaces glycine 268 with arginine.
Molecular consequence: missense variant.
Genome position (GRCh38, 1-based): chrX:71,121,393, G>A. VCF-style: chrX-71121393-G-A. GRCh37 (hg19) VCF-style: chrX-70341243-G-A.
Other names: short protein forms G268R.
Identifiers: ClinVar variation 3715494 (VCV003715494.2).